The following is an entry in ClinVar:

NM_001160372.4(TRAPPC9):c.2166A>G (p.Val722=)

Gene: TRAPPC9 (trafficking protein particle complex subunit 9; minus strand). Cytogenetic location: 8q24.3.
Variant type: single nucleotide variant.
Coding change: c.2166A>G on transcript NM_001160372.4 (MANE Select); coding-DNA position 2166, A replaced by G.
Protein change: p.Val722=; no amino-acid change (valine 722 retained).
Molecular consequence: synonymous variant. On other transcripts: non-coding transcript variant (1).
Genome position (GRCh38, 1-based): chr8:140,275,770, T>C on the plus strand (A>G on the coding strand, the complement: TRAPPC9 is on the minus strand). VCF-style: chr8-140275770-T-C. GRCh37 (hg19) VCF-style: chr8-141285869-T-C.
Other names: c.2139A>G, p.Val713= (NM_001321646.2); c.2187A>G, p.Val729= (NM_001374682.1); c.2166A>G, p.Val722= (NM_001374683.1, NM_031466.8); c.2022A>G, p.Val674= (NM_001374684.1); c.2460A>G (NM_031466.7).
Identifiers: ClinVar variation 1791622 (VCV001791622.4), dbSNP rs1386517290, ClinGen allele CA463213648.

ClinVar aggregate classification (germline): Likely benign. Review status: criteria provided, single submitter (1 of 4 stars). 2 submissions from 2 submitters: Likely benign (1). 1 of the submissions does not count toward it. Last evaluated 2018-11-28.

Conditions:
TRAPPC9-related disorder. Also called: TRAPPC9-related condition.
Inborn genetic diseases. Identifiers: MedGen C0950123, MeSH D030342.

Allele frequency attached by ClinVar (database versions not stated): gnomAD exomes 0.00001.
gnomAD v4.1: 13 of 1,613,436 alleles (0.00081%); highest among the groups gnomAD compares: Middle Eastern, 0.033%; no homozygotes.

Submissions (2):

Ambry Genetics
Classification: Likely benign for Inborn genetic diseases. Last evaluated: 2018-11-28. Review status: criteria provided, single submitter. Criteria: Ambry Variant Classification Scheme 2023. Collection method: clinical testing. Allele origin: germline.

PreventionGenetics, part of Exact Sciences
Classification: Likely benign for TRAPPC9-related condition. Last evaluated: 2022-07-29. Review status: no assertion criteria provided. Collection method: clinical testing. Allele origin: germline. Not counted in ClinVar's aggregate classification.
Comment: This variant is classified as likely benign based on ACMG/AMP sequence variant interpretation guidelines (Richards et al. 2015 PMID: 25741868, with internal and published modifications).